The following is an entry in ClinVar:

ClinVar aggregate classification (germline): Uncertain significance (1 of 4 stars; one submission).

Conditions:
Hajdu-Cheney syndrome (HJCYS). Also called: Acroosteolysis dominant type; ACROOSTEOLYSIS WITH OSTEOPOROSIS AND CHANGES IN SKULL AND MANDIBLE; SERPENTINE FIBULA-POLYCYSTIC KIDNEY SYNDROME. Identifiers: Orphanet 955, MedGen C0917715, MONDO:0007057, OMIM 102500.

Submission:

Labcorp Genetics (formerly Invitae), Labcorp
Classification: Uncertain significance for Hajdu-Cheney syndrome. Last evaluated: 2023-01-08. Review status: criteria provided, single submitter. Criteria: Invitae Variant Classification Sherloc (09022015). Collection method: clinical testing. Allele origin: germline.
Comment: This sequence change replaces leucine, which is neutral and non-polar, with valine, which is neutral and non-polar, at codon 2370 of the NOTCH2 protein (p.Leu2370Val). This variant is not present in population databases (gnomAD no frequency). In summary, the available evidence is currently insufficient to determine the role of this variant in disease. Therefore, it has been classified as a Variant of Uncertain Significance. Advanced modeling of protein sequence and biophysical properties (such as structural, functional, and spatial information, amino acid conservation, physicochemical variation, residue mobility, and thermodynamic stability) performed at Invitae indicates that this missense variant is not expected to disrupt NOTCH2 protein function. This variant has not been reported in the literature in individuals affected with NOTCH2-related conditions.

NM_024408.4(NOTCH2):c.7108C>G (p.Leu2370Val)

Gene: NOTCH2 (notch receptor 2; minus strand). Cytogenetic location: 1p12.
Variant type: single nucleotide variant.
Coding change: c.7108C>G on transcript NM_024408.4 (MANE Select); coding-DNA position 7108, C replaced by G.
Protein change: p.Leu2370Val; replaces leucine 2370 with valine.
Molecular consequence: missense variant.
Genome position (GRCh38, 1-based): chr1:119,915,614, G>C on the plus strand (C>G on the coding strand, the complement: NOTCH2 is on the minus strand). VCF-style: chr1-119915614-G-C. GRCh37 (hg19) VCF-style: chr1-120458237-G-C.
Other names: short protein forms L2370V.
Identifiers: ClinVar variation 2801264 (VCV002801264.3), dbSNP rs2101141835, ClinGen allele CA341873407.